The following is an entry in ClinVar:

NM_002296.4(LBR):c.305A>G (p.His102Arg)

Gene: LBR (lamin B receptor; minus strand). Cytogenetic location: 1q42.12.
Variant type: single nucleotide variant.
Coding change: c.305A>G on transcript NM_002296.4 (MANE Select); coding-DNA position 305, A replaced by G.
Protein change: p.His102Arg; replaces histidine 102 with arginine.
Molecular consequence: missense variant.
Genome position (GRCh38, 1-based): chr1:225,422,138, T>C on the plus strand (A>G on the coding strand, the complement: LBR is on the minus strand). VCF-style: chr1-225422138-T-C. GRCh37 (hg19) VCF-style: chr1-225609840-T-C.
Other names: c.305A>G, p.His102Arg (NM_194442.3); short protein forms H102R.
Identifiers: ClinVar variation 3633773 (VCV003633773.2).

ClinVar aggregate classification (germline): Uncertain significance (1 of 4 stars; one submission).

Submission:

Labcorp Genetics (formerly Invitae), Labcorp
Classification: Uncertain significance. Last evaluated: 2025-07-31. Review status: criteria provided, single submitter. Criteria: Invitae Variant Classification Sherloc (09022015). Collection method: clinical testing. Allele origin: germline.
Comment: This sequence change replaces histidine, which is basic and polar, with arginine, which is basic and polar, at codon 102 of the LBR protein (p.His102Arg). This variant is not present in population databases (gnomAD no frequency). This variant has not been reported in the literature in individuals affected with LBR-related conditions. ClinVar contains an entry for this variant (Variation ID: 3633773). Invitae Evidence Modeling of protein sequence and biophysical properties (such as structural, functional, and spatial information, amino acid conservation, physicochemical variation, residue mobility, and thermodynamic stability) indicates that this missense variant is not expected to disrupt LBR protein function with a negative predictive value of 95%. In summary, the available evidence is currently insufficient to determine the role of this variant in disease. Therefore, it has been classified as a Variant of Uncertain Significance.